The following is an entry in ClinVar:

NM_000059.4(BRCA2):c.6145G>T (p.Val2049Leu)

Gene: BRCA2 (BRCA2 DNA repair associated; plus strand). Cytogenetic location: 13q13.1.
Variant type: single nucleotide variant.
Coding change: c.6145G>T on transcript NM_000059.4 (MANE Select); coding-DNA position 6145, G replaced by T.
Protein change: p.Val2049Leu; replaces valine 2049 with leucine.
Molecular consequence: missense variant. On other transcripts: non-coding transcript variant (1), intron variant (2).
Genome position (GRCh38, 1-based): chr13:32,340,500, G>T. VCF-style: chr13-32340500-G-T. GRCh37 (hg19) VCF-style: chr13-32914637-G-T.
Other names: c.6145G>T, p.Val2049Leu (NM_001406719.1, NM_001406720.1, NM_001432077.1); c.1910-4058G>T (NM_001406721.1); c.425-4058G>T (NM_001406722.1); short protein forms V2049L.
Identifiers: ClinVar variation 3636504 (VCV003636504.2).

ClinVar aggregate classification (germline): Uncertain significance (1 of 4 stars; one submission).

Conditions:
Hereditary breast ovarian cancer syndrome. Also called: Hereditary breast and ovarian cancer syndrome; Hereditary breast and ovarian cancer syndrome (HBOC); BRCA1- and BRCA2-Associated Hereditary Breast and Ovarian Cancer; Hereditary breast and ovarian cancer; Breast and ovarian cancer; Hereditary breast and/or ovarian cancer syndrome. Identifiers: Orphanet 145, MedGen C0677776, MeSH D061325, MONDO:0003582. Disease mechanism: loss of function.

gnomAD v4.1: 1 of 1,613,632 alleles (0.000062%); highest among the groups gnomAD compares: Non-Finnish European, 0.000085%; no homozygotes.

Submission:

Labcorp Genetics (formerly Invitae), Labcorp
Classification: Uncertain significance for Hereditary breast ovarian cancer syndrome. Last evaluated: 2024-10-09. Review status: criteria provided, single submitter. Criteria: Invitae Variant Classification Sherloc (09022015). Collection method: clinical testing. Allele origin: germline.
Comment: This sequence change replaces valine, which is neutral and non-polar, with leucine, which is neutral and non-polar, at codon 2049 of the BRCA2 protein (p.Val2049Leu). This variant is not present in population databases (gnomAD no frequency). This variant has not been reported in the literature in individuals affected with BRCA2-related conditions. Invitae Evidence Modeling of protein sequence and biophysical properties (such as structural, functional, and spatial information, amino acid conservation, physicochemical variation, residue mobility, and thermodynamic stability) indicates that this missense variant is not expected to disrupt BRCA2 protein function with a negative predictive value of 95%. In summary, the available evidence is currently insufficient to determine the role of this variant in disease. Therefore, it has been classified as a Variant of Uncertain Significance.